The following is an entry in ClinVar:

ClinVar aggregate classification (germline): Pathogenic/Likely pathogenic. Review status: criteria provided, multiple submitters, no conflicts (2 of 4 stars). 4 submissions from 4 submitters: Pathogenic (1); Likely pathogenic (2). 1 of the submissions does not count toward it. Last evaluated 2026-03-26.

Conditions:
LAMA2-related muscular dystrophy (LAMA2-RD). Also called: Laminin alpha 2-related dystrophy. Identifiers: MedGen C5679788, MONDO:0100228.
Merosin deficient congenital muscular dystrophy (MDC1A). Also called: Congenital Muscular Dystrophy Type 1A (MDC1A); Congenital merosin-deficient muscular dystrophy 1A. Identifiers: Orphanet 258, MedGen C1263858, MONDO:0011925, OMIM 607855.

Allele frequency attached by ClinVar (database versions not stated): gnomAD exomes below 0.00001; gnomAD 0.00001 and 0.00002; TOPMed below 0.00001.
gnomAD v4.1: 5 of 1,544,376 alleles (0.00032%); highest among the groups gnomAD compares: African/African-American, 0.0054%; no homozygotes.

Submissions (4):

GeneDx
Classification: Pathogenic. Last evaluated: 2026-03-26. Review status: criteria provided, single submitter. Criteria: GeneDx Variant Classification Process June 2021. Collection method: clinical testing. Allele origin: germline.
Comment: Canonical splice site variant predicted to result in a null allele in a gene for which loss of function is a known mechanism of disease; Not observed at significant frequency in large population cohorts (gnomAD); This variant is associated with the following publications: (PMID: 37182895, 38747280)

Labcorp Genetics (formerly Invitae), Labcorp
Classification: Likely pathogenic for LAMA2-related muscular dystrophy. Last evaluated: 2024-08-16. Review status: criteria provided, single submitter. Criteria: Invitae Variant Classification Sherloc (09022015). Collection method: clinical testing. Allele origin: germline.
Comment: This sequence change affects a donor splice site in intron 28 of the LAMA2 gene. It is expected to disrupt RNA splicing. Variants that disrupt the donor or acceptor splice site typically lead to a loss of protein function (PMID: 16199547), and loss-of-function variants in LAMA2 are known to be pathogenic (PMID: 18700894, 32904964). This variant is present in population databases (no rsID available, gnomAD 0.007%). This variant has not been reported in the literature in individuals affected with LAMA2-related conditions. ClinVar contains an entry for this variant (Variation ID: 552992). Algorithms developed to predict the effect of sequence changes on RNA splicing suggest that this variant may disrupt the consensus splice site. In summary, the currently available evidence indicates that the variant is pathogenic, but additional data are needed to prove that conclusively. Therefore, this variant has been classified as Likely Pathogenic.

Baylor Genetics
Classification: Likely pathogenic for Merosin deficient congenital muscular dystrophy. Last evaluated: 2023-04-01. Review status: criteria provided, single submitter. Criteria: ACMG Guidelines, 2015. Collection method: clinical testing. Allele origin: unknown.

Counsyl
Classification: Likely pathogenic for Merosin deficient congenital muscular dystrophy. Last evaluated: 2017-07-24. Review status: no assertion criteria provided. Collection method: clinical testing. Allele origin: unknown. Not counted in ClinVar's aggregate classification.

Literature cited by the submitters: PubMed 16199547 (cited by Labcorp Genetics (formerly Invitae), Labcorp); PubMed 18700894 (cited by Labcorp Genetics (formerly Invitae), Labcorp); PubMed 32904964 (cited by Labcorp Genetics (formerly Invitae), Labcorp).

NM_000426.4(LAMA2):c.4176+1G>A

Gene: LAMA2 (laminin subunit alpha 2; plus strand). Cytogenetic location: 6q22.33.
Variant type: single nucleotide variant.
Coding change: c.4176+1G>A on transcript NM_000426.4 (MANE Select); the canonical splice donor site of the intron after coding-DNA position 4176, G replaced by A.
Molecular consequence: splice donor variant.
Genome position (GRCh38, 1-based): chr6:129,320,656, G>A. VCF-style: chr6-129320656-G-A. GRCh37 (hg19) VCF-style: chr6-129641801-G-A.
Other names: c.4176+1G>A (NM_001079823.2).
Identifiers: ClinVar variation 552992 (VCV000552992.10), dbSNP rs1404492484, ClinGen allele CA16609646.